The following is an entry in ClinVar:

ClinVar aggregate classification (germline): Uncertain significance (1 of 4 stars; one submission).

Submission:

GeneDx
Classification: Uncertain significance. Last evaluated: 2024-03-23. Review status: criteria provided, single submitter. Criteria: GeneDx Variant Classification Process June 2021. Collection method: clinical testing. Allele origin: germline. Affected: yes.
Comment: Not observed at significant frequency in large population cohorts (gnomAD); In silico analysis supports that this missense variant does not alter protein structure/function; Has not been previously published as pathogenic or benign to our knowledge.

NM_006015.6(ARID1A):c.85C>A (p.Gln29Lys)

Gene: ARID1A (AT-rich interaction domain 1A; plus strand). Cytogenetic location: 1p36.11.
Variant type: single nucleotide variant.
Coding change: c.85C>A on transcript NM_006015.6 (MANE Select); coding-DNA position 85, C replaced by A.
Protein change: p.Gln29Lys; replaces glutamine 29 with lysine.
Molecular consequence: missense variant.
Genome position (GRCh38, 1-based): chr1:26,696,488, C>A. VCF-style: chr1-26696488-C-A. GRCh37 (hg19) VCF-style: chr1-27022979-C-A.
Other names: c.85C>A, p.Gln29Lys (NM_139135.4); short protein forms Q29K.
Identifiers: ClinVar variation 3371441 (VCV003371441.1).